The following is an entry in ClinVar:

NM_000268.4(NF2):c.516G>C (p.Arg172Ser)

Gene: NF2 (NF2, moesin-ezrin-radixin like (MERLIN) tumor suppressor; plus strand). Cytogenetic location: 22q12.2.
Variant type: single nucleotide variant.
Coding change: c.516G>C on transcript NM_000268.4 (MANE Select); coding-DNA position 516, G replaced by C.
Protein change: p.Arg172Ser; replaces arginine 172 with serine.
Molecular consequence: missense variant. On other transcripts: 5 prime UTR variant (1), intron variant (1).
Genome position (GRCh38, 1-based): chr22:29,654,725, G>C. VCF-style: chr22-29654725-G-C. GRCh37 (hg19) VCF-style: chr22-30050714-G-C.
Other names: c.402G>C, p.Arg134Ser (NM_001407053.1, NM_001407056.1); c.393G>C, p.Arg131Ser (NM_001407054.1, NM_001407058.1, NM_001407062.1 and 1 more transcripts); c.390G>C, p.Arg130Ser (NM_001407055.1, NM_181828.3); c.516G>C, p.Arg172Ser (NM_001407057.1, NM_001407059.1, NM_001407060.1 and 4 more transcripts); c.267G>C, p.Arg89Ser (NM_001407063.1, NM_001407064.1, NM_181830.3 and 1 more transcripts); c.-125G>C (NM_001407065.1); c.285G>C, p.Arg95Ser (NM_001407067.1); c.447+12440G>C (NM_181833.3); short protein forms R134S, R172S, R95S, R89S, R130S, R131S.
Identifiers: ClinVar variation 2791104 (VCV002791104.5), dbSNP rs1437469963, ClinGen allele CA411142260.

ClinVar aggregate classification (germline): Uncertain significance. Review status: criteria provided, multiple submitters, no conflicts (2 of 4 stars). 2 submissions from 2 submitters: Uncertain significance (2). Last evaluated 2025-12-12.

Conditions:
Neurofibromatosis, type 2 (SWNV). Also called: BILATERAL ACOUSTIC NEUROFIBROMATOSIS; NF2-Related Schwannomatosis; SCHWANNOMATOSIS, VESTIBULAR. Identifiers: Orphanet 637, MedGen C0027832, MONDO:0007039, OMIM 101000. Disease mechanism: loss of function.
Hereditary cancer-predisposing syndrome. Also called: Neoplastic Syndromes, Hereditary; Hereditary neoplastic syndrome; Hereditary Cancer Syndrome; Tumor predisposition. Identifiers: Orphanet 140162, MedGen C0027672, MeSH D009386, MONDO:0015356.

Allele frequency attached by ClinVar (database versions not stated): gnomAD exomes below 0.00001.
gnomAD v4.1: 2 of 1,611,984 alleles (0.00012%); highest among the groups gnomAD compares: Non-Finnish European, 0.00017%; no homozygotes.

Submissions (2):

Ambry Genetics
Classification: Uncertain significance for Hereditary cancer-predisposing syndrome. Last evaluated: 2025-12-12. Review status: criteria provided, single submitter. Criteria: Ambry Variant Classification Scheme 2023. Collection method: clinical testing. Allele origin: germline.
Comment: The c.516G>C variant (also known as p.R172S), located in coding exon 5 of the NF2 gene, results from a G to C substitution at nucleotide position 516. The amino acid change results in arginine to serine at codon 172, an amino acid with dissimilar properties. This nucleotide position is well conserved in available vertebrate species. In silico splice site analysis predicts that this alteration will not have any significant effect on splicing. RNA studies have demonstrated that this alteration does not result in abnormal splicing in the set of samples tested (Ambry internal data). This amino acid position is highly conserved in available vertebrate species. In addition, as a missense substitution this is predicted to be deleterious by in silico analysis. Since supporting evidence is limited at this time, the clinical significance of this alteration remains unclear.

Labcorp Genetics (formerly Invitae), Labcorp
Classification: Uncertain significance for Neurofibromatosis, type 2. Last evaluated: 2024-06-17. Review status: criteria provided, single submitter. Criteria: Invitae Variant Classification Sherloc (09022015). Collection method: clinical testing. Allele origin: germline.
Comment: This sequence change replaces arginine, which is basic and polar, with serine, which is neutral and polar, at codon 172 of the NF2 protein (p.Arg172Ser). This variant also falls at the last nucleotide of exon 5, which is part of the consensus splice site for this exon. This variant is present in population databases (no rsID available, gnomAD 0.0009%). This variant has not been reported in the literature in individuals affected with NF2-related conditions. An algorithm developed to predict the effect of missense changes on protein structure and function (PolyPhen-2) suggests that this variant is likely to be disruptive. Variants that disrupt the consensus splice site are a relatively common cause of aberrant splicing (PMID: 17576681, 9536098). RNA analysis performed to evaluate the impact of this missense change on mRNA splicing indicates it does not significantly alter splicing (Invitae). In summary, the available evidence is currently insufficient to determine the role of this variant in disease. Therefore, it has been classified as a Variant of Uncertain Significance.

Literature cited by the submitters: PubMed 17576681 (cited by Labcorp Genetics (formerly Invitae), Labcorp); PubMed 9536098 (cited by Labcorp Genetics (formerly Invitae), Labcorp).